The following is an entry in ClinVar:

NM_000901.5(NR3C2):c.2578G>A (p.Val860Ile)

Gene: NR3C2 (nuclear receptor subfamily 3 group C member 2; minus strand). Cytogenetic location: 4q31.23.
Variant type: single nucleotide variant.
Coding change: c.2578G>A on transcript NM_000901.5 (MANE Select); coding-DNA position 2578, G replaced by A.
Protein change: p.Val860Ile; replaces valine 860 with isoleucine.
Molecular consequence: missense variant. On other transcripts: non-coding transcript variant (1).
Genome position (GRCh38, 1-based): chr4:148,120,221, C>T on the plus strand (G>A on the coding strand, the complement: NR3C2 is on the minus strand). VCF-style: chr4-148120221-C-T. GRCh37 (hg19) VCF-style: chr4-149041372-C-T.
Other names: c.2227G>A, p.Val743Ile (NM_001166104.2, NM_001354819.1); short protein forms V860I, V743I.
Identifiers: ClinVar variation 347719 (VCV000347719.10), dbSNP rs147398624, ClinGen allele CA3100071.

ClinVar aggregate classification (germline): Benign/Likely benign. Review status: criteria provided, multiple submitters, no conflicts (2 of 4 stars). 3 submissions from 3 submitters: Benign (2); Likely benign (1). Last evaluated 2026-01-02.

Conditions:
Autosomal dominant pseudohypoaldosteronism type 1. Also called: Pseudohypoaldosteronism, Type I, Autosomal Dominant; PHA I, AUTOSOMAL DOMINANT; Pseudohypoaldosteronism, Type I, Dominant. Identifiers: Orphanet 171871, Orphanet 756, MedGen C1449842, MONDO:0008329, OMIM 177735.

Allele frequency attached by ClinVar (database versions not stated): TOPMed 0.00040; gnomAD 0.00043 and 0.00047; gnomAD exomes 0.00045 and 0.00085; ExAC 0.00050; ESP Exome Variant Server 0.00054; 1000 Genomes Project 30x 0.00094; 1000 Genomes Project 0.00100.
gnomAD v4.1: 1,303 of 1,614,078 alleles (0.081%); highest among the groups gnomAD compares: East Asian, 0.1%; 1 homozygote.

Submissions (3):

Labcorp Genetics (formerly Invitae), Labcorp
Classification: Likely benign. Last evaluated: 2026-01-02. Review status: criteria provided, single submitter. Criteria: Invitae Variant Classification Sherloc (09022015). Collection method: clinical testing. Allele origin: germline.

Illumina Laboratory Services, Illumina
Classification: Benign for Autosomal dominant pseudohypoaldosteronism type 1. Last evaluated: 2018-01-13. Review status: criteria provided, single submitter. Criteria: ICSL Variant Classification Criteria 13 December 2019. Collection method: clinical testing. Allele origin: germline.
Comment: This variant was observed in the ICSL laboratory as part of a predisposition screen in an ostensibly healthy population. It had not been previously curated by ICSL or reported in the Human Gene Mutation Database (HGMD: prior to June 1st, 2018), and was therefore a candidate for classification through an automated scoring system. Utilizing variant allele frequency, disease prevalence and penetrance estimates, and inheritance mode, an automated score was calculated to assess if this variant is too frequent to cause the disease. Based on the score and internal cut-off values, a variant classified as benign is not then subjected to further curation. The score for this variant resulted in a classification of benign for this disease.

Breakthrough Genomics
Classification: Benign. Review status: criteria provided, single submitter. Criteria: ACMG Guidelines, 2015. Collection method: not provided. Allele origin: germline. Inheritance: Autosomal dominant inheritance. Affected: yes.